The following is an entry in ClinVar:

NM_173628.4(DNAH17):c.3507+5G>A

Gene: DNAH17 (dynein axonemal heavy chain 17; minus strand). Cytogenetic location: 17q25.3.
Variant type: single nucleotide variant.
Coding change: c.3507+5G>A on transcript NM_173628.4 (MANE Select); 5 bases into the intron after coding-DNA position 3507, G replaced by A.
Molecular consequence: intron variant.
Genome position (GRCh38, 1-based): chr17:78,529,467, C>T on the plus strand (G>A on the coding strand, the complement: DNAH17 is on the minus strand). VCF-style: chr17-78529467-C-T. GRCh37 (hg19) VCF-style: chr17-76525549-C-T.
Identifiers: ClinVar variation 3025929 (VCV003025929.22), dbSNP rs374387391, ClinGen allele CA8804185.

ClinVar aggregate classification (germline): Uncertain significance (1 of 4 stars; one submission).

Allele frequency attached by ClinVar (database versions not stated): ESP Exome Variant Server 0.00008.
gnomAD v4.1: 60 of 1,613,580 alleles (0.0037%); highest among the groups gnomAD compares: South Asian, 0.0055%; no homozygotes.

Submission:

CeGaT Center for Human Genetics Tuebingen
Classification: Uncertain significance. Last evaluated: 2024-02-01. Review status: criteria provided, single submitter. Criteria: CeGaT Center For Human Genetics Tuebingen Variant Classification Criteria Version 2. Collection method: clinical testing. Allele origin: germline. Affected: yes. Observed: 1 variant allele.
Comment: DNAH17: PM2, BP4